The following is an entry in ClinVar:

ClinVar aggregate classification (germline): Uncertain significance (1 of 4 stars; one submission).

gnomAD v4.1: 1 of 1,612,870 alleles (0.000062%); highest among the groups gnomAD compares: African/African-American, 0.0013%; no homozygotes.

Submission:

GeneDx
Classification: Uncertain significance. Last evaluated: 2024-12-17. Review status: criteria provided, single submitter. Criteria: GeneDx Variant Classification Process June 2021. Collection method: clinical testing. Allele origin: germline. Affected: yes.
Comment: Not observed at significant frequency in large population cohorts (gnomAD); In silico analysis supports that this missense variant has a deleterious effect on protein structure/function; Has not been previously published as pathogenic or benign to our knowledge

NM_002911.4(UPF1):c.3224C>G (p.Pro1075Arg)

Gene: UPF1 (UPF1 RNA helicase and ATPase; plus strand). Cytogenetic location: 19p13.11.
Variant type: single nucleotide variant.
Coding change: c.3224C>G on transcript NM_002911.4 (MANE Select); coding-DNA position 3224, C replaced by G.
Protein change: p.Pro1075Arg; replaces proline 1075 with arginine.
Molecular consequence: missense variant.
Genome position (GRCh38, 1-based): chr19:18,865,765, C>G. VCF-style: chr19-18865765-C-G. GRCh37 (hg19) VCF-style: chr19-18976574-C-G.
Other names: c.3257C>G, p.Pro1086Arg (NM_001297549.2); short protein forms P1075R, P1086R.
Identifiers: ClinVar variation 3906645 (VCV003906645.1).